The following is an entry in ClinVar:

ClinVar aggregate classification (germline): Uncertain significance (1 of 4 stars; one submission).

Conditions:
Jeune thoracic dystrophy. Also called: Short-rib thoracic dysplasia; Jeune syndrome; Infantile thoracic dystrophy; Thoracic pelvic phalangeal dystrophy; Jeune's syndrome; Chondroectodermal dysplasia-like syndrome. Identifiers: Orphanet 474, MedGen C0265275, MONDO:0018770.
Nephronophthisis. Also called: Juvenile Nephronophthisis. Identifiers: Orphanet 655, MedGen C0687120, MONDO:0019005, HP:0000090.

gnomAD v4.1: 1 of 1,614,034 alleles (0.000062%); no homozygotes.

Submission:

Labcorp Genetics (formerly Invitae), Labcorp
Classification: Uncertain significance for Jeune thoracic dystrophy; Nephronophthisis. Last evaluated: 2025-12-15. Review status: criteria provided, single submitter. Criteria: Invitae Variant Classification Sherloc (09022015). Collection method: clinical testing. Allele origin: germline.
Comment: This sequence change replaces alanine, which is neutral and non-polar, with threonine, which is neutral and polar, at codon 643 of the TTC21B protein (p.Ala643Thr). This variant is not present in population databases (gnomAD no frequency). This variant has not been reported in the literature in individuals affected with TTC21B-related conditions. ClinVar contains an entry for this variant (Variation ID: 1957079). Invitae Evidence Modeling of protein sequence and biophysical properties (such as structural, functional, and spatial information, amino acid conservation, physicochemical variation, residue mobility, and thermodynamic stability) indicates that this missense variant is not expected to disrupt TTC21B protein function with a negative predictive value of 80%. In summary, the available evidence is currently insufficient to determine the role of this variant in disease. Therefore, it has been classified as a Variant of Uncertain Significance.

NM_024753.5(TTC21B):c.1927G>A (p.Ala643Thr)

Gene: TTC21B (tetratricopeptide repeat domain 21B; minus strand). Cytogenetic location: 2q24.3.
Variant type: single nucleotide variant.
Coding change: c.1927G>A on transcript NM_024753.5 (MANE Select); coding-DNA position 1927, G replaced by A.
Protein change: p.Ala643Thr; replaces alanine 643 with threonine.
Molecular consequence: missense variant.
Genome position (GRCh38, 1-based): chr2:165,915,412, C>T on the plus strand (G>A on the coding strand, the complement: TTC21B is on the minus strand). VCF-style: chr2-165915412-C-T. GRCh37 (hg19) VCF-style: chr2-166771922-C-T.
Other names: short protein forms A643T.
Identifiers: ClinVar variation 1957079 (VCV001957079.5), dbSNP rs2468176893, ClinGen allele CA349059038.
Genomic context (GRCh38, chr2:165,915,412, plus strand): 5'-GGTCTGCATTAGCAATGGTAACCCGCACTTCTTCAGATGTTCCAGAAAATTCATGGATGG[C>T]ATCTTGTAAAACTTTGGTTGCCTCATGCTGTAAAGATGAAATTAAAATAATCATTCTTCC-3'
Protein context (NP_079029.3, residues 633-653): QHEATKVLQD[Ala643Thr]IHEFSGTSEE